The following is an entry in ClinVar:

NM_000368.5(TSC1):c.1855_1856inv (p.Phe619Asn)

Gene: TSC1 (TSC complex subunit 1; minus strand). Cytogenetic location: 9q34.13.
Variant type: Inversion.
Coding change: c.1855_1856inv on transcript NM_000368.5 (MANE Select).
Protein change: p.Phe619Asn; replaces phenylalanine 619 with asparagine.
Molecular consequence: missense variant.
Genome position: GRCh38 VCF-style: chr9-132905722-AA-TT. GRCh37 (hg19) VCF-style: chr9-135781109-AA-TT.
Other names: c.1852_1853inv, p.Phe618Asn (NM_001162426.2); c.1702_1703inv, p.Phe568Asn (NM_001162427.2); c.1492_1493inv, p.Phe498Asn (NM_001362177.2); short protein forms F498N, F568N, F618N, F619N.
Identifiers: ClinVar variation 938312 (VCV000938312.1), ClinGen allele CA1139661279.

ClinVar aggregate classification (germline): Uncertain significance (1 of 4 stars; one submission).

Conditions:
Tuberous sclerosis 1 (TSC1). Identifiers: Orphanet 805, MedGen C1854465, MONDO:0008612, OMIM 191100.

Submission:

Labcorp Genetics (formerly Invitae), Labcorp
Classification: Uncertain significance for Tuberous sclerosis 1. Last evaluated: 2019-10-23. Review status: criteria provided, single submitter. Criteria: Invitae Variant Classification Sherloc (09022015). Collection method: clinical testing. Allele origin: germline.
Comment: This sequence change replaces phenylalanine with asparagine at codon 619 of the TSC1 protein (p.Phe619Asn). The phenylalanine residue is highly conserved and there is a large physicochemical difference between phenylalanine and asparagine. This variant is not present in population databases (ExAC no frequency). This variant has not been reported in the literature in individuals with TSC1-related conditions. Algorithms developed to predict the effect of missense changes on protein structure and function are either unavailable or do not agree on the potential impact of this missense change (SIFT: "Deleterious"; PolyPhen-2: "Probably Damaging"; Align-GVGD: "Class C0"). In summary, the available evidence is currently insufficient to determine the role of this variant in disease. Therefore, it has been classified as a Variant of Uncertain Significance.